The following continues an entry in ClinVar:

NM_001267550.2(TTN):c.98994del (p.Lys32998fs)

ClinVar aggregate classification (germline): Pathogenic/Likely pathogenic. Pathogenic (6); Likely pathogenic (2).

Submissions 7 to 9 of 9:

Women's Health and Genetics/Laboratory Corporation of America, LabCorp
Classification: Likely pathogenic for Primary familial dilated cardiomyopathy. Last evaluated: 2021-12-15. Review status: criteria provided, single submitter. Criteria: LabCorp Variant Classification Summary - May 2015. Collection method: clinical testing. Allele origin: germline.
Comment: Variant summary: TTN c.91290delA (p.Lys30430AsnfsX63) results in a premature termination codon, predicted to cause a truncation of the encoded protein or absence of the protein due to nonsense mediated decay, which are commonly known mechanisms for disease. The variant occurs in the A-band region of titin within a constitutively expressed exon. The variant allele was found at a frequency of 4.2e-06 in 240770 control chromosomes (gnomAD). To our knowledge, no occurrence of c.91290delA in individuals affected with Dilated Cardiomyopathy and no experimental evidence demonstrating its impact on protein function have been reported. Three ClinVar submitters have assessed this variant since 2014: two have classified it as likely pathogenic, and one as pathogenic. Based on the evidence outlined above, the variant was classified as likely pathogenic.

Laboratory for Molecular Medicine, Mass General Brigham Personalized Medicine
Classification: Likely pathogenic for Primary dilated cardiomyopathy. Last evaluated: 2019-01-18. Review status: criteria provided, single submitter. Criteria: LMM Criteria. Collection method: clinical testing. Allele origin: germline. Inheritance: Autosomal dominant inheritance. Observed: 1 variant allele.
Comment: This frameshift variant is predicted to alter the proteinâ€™s amino acid sequence beginning at position 30430 and lead to a premature termination codon 63 amino acids downstream. This alteration is then predicted to lead to a truncated or absent protein. Frameshift and other truncating variants in TTN are strongly associated with DCM if they impact the exons encoding for the A-band (Herman 2012, Pugh 2014) and/or are located in an exon that is highly expressed in the heart (Roberts 2015). The p.Lys30430AsnfsX63 variant is located in A-band in a highly expressed exon. In summary, although additional studies are required to fully establish its clinical significance, this variant meets criteria to be classified as likely pathogenic for autosomal dominant DCM. ACMG/AMP Criteria applied: PVS1, PM2.

Undiagnosed Diseases Network, NIH
Classification: Pathogenic for Autosomal recessive limb-girdle muscular dystrophy type 2J. Last evaluated: 2024-06-05. Review status: no assertion criteria provided. Collection method: clinical testing. Allele origin: maternal. Affected: yes. Observed: 2 variant alleles, 2 compound heterozygotes. Clinical features observed: Decreased fetal movement (HP:0001558), Abnormal delivery (HP:0001787), Poor suck (HP:0002033), Caesarean section (HP:0011410), Primary Caesarian section (HP:0030363), Inguinal hernia (HP:0000023), Osteopenia (HP:0000938), Hypotonia (HP:0001252), Developmental dysplasia of the hip (HP:0001385), Dysphagia (HP:0002015), Gait disturbance (HP:0002355), Arthrogryposis multiplex congenita (HP:0002804), and 3 more. Study: Undiagnosed Diseases Network (NIH), UDN. Not counted in ClinVar's aggregate classification.

Literature cited by the submitters: PubMed 33500567 (cited by Labcorp Genetics (formerly Invitae), Labcorp and Athena Diagnostics); PubMed 35605965 (cited by Labcorp Genetics (formerly Invitae), Labcorp and Athena Diagnostics); PubMed 25589632 (cited by Labcorp Genetics (formerly Invitae), Labcorp); PubMed 23975875 (cited by Labcorp Genetics (formerly Invitae), Labcorp); PubMed 33432171 (cited by Ambry Genetics and Athena Diagnostics); PubMed 31216868 (cited by Athena Diagnostics); PubMed 38438525 (cited by Athena Diagnostics).